The following is an entry in ClinVar:

ClinVar aggregate classification (germline): Pathogenic/Likely pathogenic. Review status: criteria provided, multiple submitters, no conflicts (2 of 4 stars). 3 submissions from 3 submitters: Pathogenic (1); Likely pathogenic (2). Last evaluated 2024-10-31.

Conditions:
Intellectual developmental disorder, autosomal recessive 5. Also called: Intellectual disability, autosomal recessive 5. Identifiers: Orphanet 88616, MedGen C1970199, MONDO:0012613, OMIM 611091.

Submissions (3):

Revvity Omics, Revvity
Classification: Likely pathogenic for Intellectual developmental disorder, autosomal recessive 5. Last evaluated: 2024-10-31. Review status: criteria provided, single submitter. Criteria: ACMG Guidelines, 2015. Collection method: clinical testing. Allele origin: germline.

Pittsburgh Clinical Genomics Laboratory, University of Pittsburgh Medical Center
Classification: Likely pathogenic for Intellectual developmental disorder, autosomal recessive 5. Last evaluated: 2023-06-19. Review status: criteria provided, single submitter. Criteria: ACMG Guidelines, 2015. Collection method: clinical testing. Allele origin: germline. Inheritance: Autosomal recessive inheritance. Affected: yes.
Comment: This sequence variant is a small deletion in exon 1 of 19 of the NSUN2 gene that results in an early termition sigl 79 codons downstream of the frameshift at codon 23. This variant is predicted to generate a non-functiol allele through either the expression of a truncated protein or a loss of NSUN2 expression due to nonsense mediated decay. This is a previously reported variant (ClinVar 946605) that has not been observed in the literature in individuals affected by NSUN2-related disease, to our knowledge. This variant is present in 2 of 115624 alleles (0.0017%) in the gnomAD population dataset. Haploinsufficiency in NSUN2 is a known mechanism of disease. Based upon the evidence, we consider this variant to be likely pathogenic. ACMG Criteria: PM2, PVS1

Labcorp Genetics (formerly Invitae), Labcorp
Classification: Pathogenic. Last evaluated: 2019-05-01. Review status: criteria provided, single submitter. Criteria: Invitae Variant Classification Sherloc (09022015). Collection method: clinical testing. Allele origin: germline.
Comment: This sequence change creates a premature translational stop signal (p.Ala23Trpfs*79) in the NSUN2 gene. It is expected to result in an absent or disrupted protein product. The frequency data for this variant in the population databases is considered unreliable, as metrics indicate insufficient coverage at this position in the ExAC database. This variant has not been reported in the literature in individuals with NSUN2-related conditions. Loss-of-function variants in NSUN2 are known to be pathogenic (PMID: 22541559, 22577224). For these reasons, this variant has been classified as Pathogenic.

Literature cited by the submitters: PubMed 22541559 (cited by Labcorp Genetics (formerly Invitae), Labcorp); PubMed 22577224 (cited by Labcorp Genetics (formerly Invitae), Labcorp).

NM_017755.6(NSUN2):c.62_65dup (p.Ala23fs)

Gene: NSUN2 (NOP2/Sun RNA methyltransferase 2; minus strand). Cytogenetic location: 5p15.31.
Variant type: Duplication.
Coding change: c.62_65dup on transcript NM_017755.6 (MANE Select); coding-DNA positions 62 to 65, 4 bases duplicated (ATGG; older notation c.62_65dupATGG).
Protein change: p.Ala23fs; shifts the reading frame from alanine 23.
Molecular consequence: frameshift variant. On other transcripts: non-coding transcript variant (1).
Genome position (GRCh38, 1-based): chr5:6,632,915-6,632,918, CCAT duplicated on the plus strand (ATGG on the coding strand, the reverse complement: NSUN2 is on the minus strand); duplicating any 4 consecutive bases within chr5:6,632,915-6,632,920 gives the same sequence; the c. name uses the placement nearest the transcript's 3' end. VCF-style (leftmost placement, unchanged base first): chr5-6632914-G-GCCAT. GRCh37 (hg19) VCF-style: chr5-6633027-G-GCCAT.
Other names: c.62_65dup, p.Ala23fs (NM_001193455.2); short protein forms A23fs.
Identifiers: ClinVar variation 946605 (VCV000946605.5), dbSNP rs1041431561, ClinGen allele CA113753954.